The following is an entry in ClinVar:

ClinVar aggregate classification (germline): Uncertain significance (1 of 4 stars; one submission).

Conditions:
Episodic kinesigenic dyskinesia (EKD). Also called: Paroxysmal kinesigenic dyskinesia. Identifiers: Orphanet 98809, MedGen C1868682, MONDO:0044202.

Allele frequency attached by ClinVar (database versions not stated): TOPMed below 0.00001.

Submission:

Labcorp Genetics (formerly Invitae), Labcorp
Classification: Uncertain significance for Episodic kinesigenic dyskinesia. Last evaluated: 2023-08-30. Review status: criteria provided, single submitter. Criteria: Invitae Variant Classification Sherloc (09022015). Collection method: clinical testing. Allele origin: germline.
Comment: In summary, the available evidence is currently insufficient to determine the role of this variant in disease. Therefore, it has been classified as a Variant of Uncertain Significance. Algorithms developed to predict the effect of sequence changes on RNA splicing suggest that this variant may create or strengthen a splice site. This variant has not been reported in the literature in individuals affected with PRRT2-related conditions. This variant is not present in population databases (gnomAD no frequency). This sequence change affects codon 282 of the PRRT2 mRNA. It is a 'silent' change, meaning that it does not change the encoded amino acid sequence of the PRRT2 protein.

NM_145239.3(PRRT2):c.846T>A (p.Pro282=)

Genes: MVP-DT (MVP divergent transcript; minus strand), PRRT2 (proline rich transmembrane protein 2; plus strand). Cytogenetic location: 16p11.2.
Variant type: single nucleotide variant.
Coding change: c.846T>A on transcript NM_145239.3 (MANE Select); coding-DNA position 846, T replaced by A.
Protein change: p.Pro282=; no amino-acid change (proline 282 retained).
Molecular consequence: synonymous variant.
Genome position (GRCh38, 1-based): chr16:29,813,900, T>A. VCF-style: chr16-29813900-T-A. GRCh37 (hg19) VCF-style: chr16-29825221-T-A.
Other names: c.846T>A, p.Pro282= (NM_001256442.2, NM_001256443.2).
Identifiers: ClinVar variation 3022074 (VCV003022074.3), dbSNP rs1900115517, ClinGen allele CA494884154.